The following is an entry in ClinVar:

NM_001458.5(FLNC):c.7322A>G (p.Asp2441Gly)

Genes: FLNC (filamin C; plus strand), FLNC-AS1 (FLNC antisense RNA 1; minus strand). Cytogenetic location: 7q32.1.
Variant type: single nucleotide variant.
Coding change: c.7322A>G on transcript NM_001458.5 (MANE Select); coding-DNA position 7322, A replaced by G.
Protein change: p.Asp2441Gly; replaces aspartic acid 2441 with glycine.
Molecular consequence: missense variant.
Genome position (GRCh38, 1-based): chr7:128,856,588, A>G. VCF-style: chr7-128856588-A-G. GRCh37 (hg19) VCF-style: chr7-128496642-A-G.
Other names: c.7223A>G, p.Asp2408Gly (NM_001127487.2); short protein forms D2408G, D2441G.
Identifiers: ClinVar variation 2576766 (VCV002576766.2), dbSNP rs2536669646, ClinGen allele CA369216779.
Genomic context (GRCh38, chr7:128,856,588, plus strand): 5'-TCAAGGTGAACCAGCCAGCGTCCTTTGCCGTGCAGCTGAACGGTGCCCGGGGCGTGATTG[A>G]TGCCCGGGTGCACACACCCTCGGGGGCTGTGGAGGAGTGCTACGTCTCTGAGCTGGACAG-3'
Protein context (NP_001449.3, residues 2431-2451): VQLNGARGVI[Asp2441Gly]ARVHTPSGAV

ClinVar aggregate classification (germline): Uncertain significance. Review status: criteria provided, multiple submitters, no conflicts (2 of 4 stars). 2 submissions from 2 submitters: Uncertain significance (2). Last evaluated 2025-09-10.

Conditions:
Hypertrophic cardiomyopathy 26. Also called: Cardiomyopathy, familial hypertrophic, 26. Identifiers: Orphanet 75249, MedGen C4310749, MONDO:0014883, OMIM 617047.

Submissions (2):

Genomic Medicine Center of Excellence, King Faisal Specialist Hospital and Research Centre
Classification: Uncertain significance for Hypertrophic cardiomyopathy 26. Last evaluated: 2025-09-10. Review status: criteria provided, single submitter. Criteria: ACMG Guidelines, 2015. Collection method: clinical testing. Allele origin: germline.

GeneDx
Classification: Uncertain significance. Last evaluated: 2023-02-16. Review status: criteria provided, single submitter. Criteria: GeneDx Variant Classification Process June 2021. Collection method: clinical testing. Allele origin: germline. Affected: yes.
Comment: Has not been previously published as pathogenic or benign to our knowledge; Not observed at significant frequency in large population cohorts (gnomAD); In silico analysis supports that this missense variant has a deleterious effect on protein structure/function